The following is an entry in ClinVar:

NM_000376.3(VDR):c.160C>T (p.Arg54Trp)

Gene: VDR (vitamin D receptor; minus strand). Cytogenetic location: 12q13.11.
Variant type: single nucleotide variant.
Coding change: c.160C>T on transcript NM_000376.3 (MANE Select); coding-DNA position 160, C replaced by T.
Protein change: p.Arg54Trp; replaces arginine 54 with tryptophan.
Molecular consequence: missense variant.
Genome position (GRCh38, 1-based): chr12:47,865,164, G>A on the plus strand (C>T on the coding strand, the complement: VDR is on the minus strand). VCF-style: chr12-47865164-G-A. GRCh37 (hg19) VCF-style: chr12-48258947-G-A.
Other names: c.160C>T, p.Arg54Trp (NM_001017535.2, NM_001364085.2, NM_001374661.1 and 1 more transcripts); c.310C>T, p.Arg104Trp (NM_001017536.2); short protein forms R54W, R104W.
Identifiers: ClinVar variation 3004611 (VCV003004611.1), dbSNP rs1442369494, ClinGen allele CA384511729.

ClinVar aggregate classification (germline): Uncertain significance (1 of 4 stars; one submission).

Allele frequency attached by ClinVar (database versions not stated): TOPMed 0.00002.
gnomAD v4.1: 9 of 1,612,284 alleles (0.00056%); highest among the groups gnomAD compares: Admixed American, 0.0017%; no homozygotes.

Submission:

Labcorp Genetics (formerly Invitae), Labcorp
Classification: Uncertain significance. Last evaluated: 2023-10-16. Review status: criteria provided, single submitter. Criteria: Invitae Variant Classification Sherloc (09022015). Collection method: clinical testing. Allele origin: germline.
Comment: This sequence change replaces arginine, which is basic and polar, with tryptophan, which is neutral and slightly polar, at codon 54 of the VDR protein (p.Arg54Trp). This variant is present in population databases (no rsID available, gnomAD 0.007%). This variant has not been reported in the literature in individuals affected with VDR-related conditions. Advanced modeling of protein sequence and biophysical properties (such as structural, functional, and spatial information, amino acid conservation, physicochemical variation, residue mobility, and thermodynamic stability) has been performed at Invitae for this missense variant, however the output from this modeling did not meet the statistical confidence thresholds required to predict the impact of this variant on VDR protein function. In summary, the available evidence is currently insufficient to determine the role of this variant in disease. Therefore, it has been classified as a Variant of Uncertain Significance.